The following is an entry in ClinVar:

NM_005033.3(EXOSC9):c.760G>A (p.Ala254Thr)

Gene: EXOSC9 (exosome component 9; plus strand). Cytogenetic location: 4q27.
Variant type: single nucleotide variant.
Coding change: c.760G>A on transcript NM_005033.3 (MANE Select); coding-DNA position 760, G replaced by A.
Protein change: p.Ala254Thr; replaces alanine 254 with threonine.
Molecular consequence: missense variant.
Genome position (GRCh38, 1-based): chr4:121,811,604, G>A. VCF-style: chr4-121811604-G-A. GRCh37 (hg19) VCF-style: chr4-122732759-G-A.
Other names: c.760G>A, p.Ala254Thr (NM_001034194.2); short protein forms A254T.
Identifiers: ClinVar variation 1520018 (VCV001520018.3), dbSNP rs773780463, ClinGen allele CA3063524.

ClinVar aggregate classification (germline): Uncertain significance (1 of 4 stars; one submission).

Allele frequency attached by ClinVar (database versions not stated): gnomAD exomes below 0.00001 and 0.00001; ExAC 0.00001; gnomAD 0.00001; TOPMed 0.00001.
gnomAD v4.1: 10 of 1,585,744 alleles (0.00063%); highest among the groups gnomAD compares: South Asian, 0.0012%; no homozygotes.

Submission:

Labcorp Genetics (formerly Invitae), Labcorp
Classification: Uncertain significance. Last evaluated: 2022-06-15. Review status: criteria provided, single submitter. Criteria: Invitae Variant Classification Sherloc (09022015). Collection method: clinical testing. Allele origin: germline.
Comment: This sequence change replaces alanine, which is neutral and non-polar, with threonine, which is neutral and polar, at codon 254 of the EXOSC9 protein (p.Ala254Thr). This variant is not present in population databases (gnomAD no frequency). This variant has not been reported in the literature in individuals affected with EXOSC9-related conditions. Algorithms developed to predict the effect of missense changes on protein structure and function are either unavailable or do not agree on the potential impact of this missense change (SIFT: "Tolerated"; PolyPhen-2: "Possibly Damaging"; Align-GVGD: "Class C0"). In summary, the available evidence is currently insufficient to determine the role of this variant in disease. Therefore, it has been classified as a Variant of Uncertain Significance.